The following is an entry in ClinVar:

ClinVar aggregate classification (germline): Benign/Likely benign. Review status: criteria provided, multiple submitters, no conflicts (2 of 4 stars). 6 submissions from 6 submitters: Benign (2); Likely benign (3). 1 of the submissions does not count toward it. Last evaluated 2026-08-01.

Conditions:
RNF135-related disorder. Also called: RNF135-related condition.

Allele frequency attached by ClinVar (database versions not stated): 1000 Genomes Project 30x 0.00234; 1000 Genomes Project 0.00240; TOPMed 0.00502; gnomAD 0.00538; ESP Exome Variant Server 0.00738.
gnomAD v4.1: 12,879 of 1,614,118 alleles (0.8%); highest among the groups gnomAD compares: Non-Finnish European, 1%; 61 homozygotes.

Submissions (6):

CeGaT Center for Human Genetics Tuebingen
Classification: Benign. Last evaluated: 2026-08-01. Review status: criteria provided, single submitter. Criteria: CeGaT Center For Human Genetics Tuebingen Variant Classification Criteria Version 2. Collection method: clinical testing. Allele origin: germline. Affected: yes. Observed: 7 variant alleles.
Comment: RNF135: BS1, BS2

Labcorp Genetics (formerly Invitae), Labcorp
Classification: Likely benign. Last evaluated: 2019-12-31. Review status: criteria provided, single submitter. Criteria: Invitae Variant Classification Sherloc (09022015). Collection method: clinical testing. Allele origin: germline.

GeneDx
Classification: Benign. Last evaluated: 2019-04-02. Review status: criteria provided, single submitter. Criteria: GeneDx Variant Classification Process June 2021. Collection method: clinical testing. Allele origin: germline. Affected: yes.

Eurofins Ntd Llc (ga)
Classification: Likely benign. Last evaluated: 2017-05-26. Review status: criteria provided, single submitter. Criteria: EGL Classification Definitions 2015. Collection method: clinical testing. Allele origin: germline. Observed: 1 variant allele, 1 heterozygote.

Breakthrough Genomics
Classification: Likely benign. Review status: criteria provided, single submitter. Criteria: ACMG Guidelines, 2015. Collection method: not provided. Allele origin: germline. Inheritance: Unknown mechanism. Affected: yes.

PreventionGenetics, part of Exact Sciences
Classification: Benign for RNF135-related condition. Last evaluated: 2024-09-05. Review status: no assertion criteria provided. Collection method: clinical testing. Allele origin: germline. Not counted in ClinVar's aggregate classification.
Comment: This variant is classified as benign based on ACMG/AMP sequence variant interpretation guidelines (Richards et al. 2015 PMID: 25741868, with internal and published modifications).

NM_032322.4(RNF135):c.1245G>T (p.Trp415Cys)

Gene: RNF135 (ring finger protein 135; plus strand). Cytogenetic location: 17q11.2.
Variant type: single nucleotide variant.
Coding change: c.1245G>T on transcript NM_032322.4 (MANE Select); coding-DNA position 1245, G replaced by T.
Protein change: p.Trp415Cys; replaces tryptophan 415 with cysteine.
Molecular consequence: missense variant. On other transcripts: 3 prime UTR variant (2).
Genome position (GRCh38, 1-based): chr17:30,999,137, G>T. VCF-style: chr17-30999137-G-T. GRCh37 (hg19) VCF-style: chr17-29326155-G-T.
Other names: c.*449G>T (NM_001184992.2, NM_197939.2); short protein forms W415C.
Identifiers: ClinVar variation 502290 (VCV000502290.36), dbSNP rs61749868, ClinGen allele CA8485408.